The following is an entry in ClinVar:

NM_001130987.2(DYSF):c.5175-2A>G

Gene: DYSF (dysferlin; plus strand). Cytogenetic location: 2p13.2.
Variant type: single nucleotide variant.
Coding change: c.5175-2A>G on transcript NM_001130987.2 (MANE Select); the canonical splice acceptor site of the intron before coding-DNA position 5175, A replaced by G.
Molecular consequence: splice acceptor variant.
Genome position (GRCh38, 1-based): chr2:71,665,160, A>G. VCF-style: chr2-71665160-A-G. GRCh37 (hg19) VCF-style: chr2-71892290-A-G.
Other names: c.5151-2A>G (NM_001130979.2); c.5172-2A>G (NM_001130981.2); c.5109-2A>G (NM_001130980.2); c.5121-2A>G (NM_001130978.2); c.5058-2A>G (NM_003494.4); c.5079-2A>G (NM_001130977.2); c.5016-2A>G (NM_001130976.2); c.5154-2A>G (NM_001130982.2); and 5 more.
Identifiers: ClinVar variation 1961426 (VCV001961426.5), dbSNP rs2546546691, ClinGen allele CA347220896.

ClinVar aggregate classification (germline): Likely pathogenic (1 of 4 stars; one submission).

Conditions:
Neuromuscular disease caused by qualitative or quantitative defects of dysferlin. Also called: Dysferlinopathy; Qualitative or quantitative defects of dysferlin. Identifiers: Orphanet 207073, MedGen C2931687, MONDO:0016145.

Submission:

Labcorp Genetics (formerly Invitae), Labcorp
Classification: Likely pathogenic for Neuromuscular disease caused by qualitative or quantitative defects of dysferlin. Last evaluated: 2022-05-19. Review status: criteria provided, single submitter. Criteria: Invitae Variant Classification Sherloc (09022015). Collection method: clinical testing. Allele origin: germline.
Comment: This sequence change affects an acceptor splice site in intron 45 of the DYSF gene. It is expected to disrupt RNA splicing. Variants that disrupt the donor or acceptor splice site typically lead to a loss of protein function (PMID: 16199547), and loss-of-function variants in DYSF are known to be pathogenic (PMID: 17698709, 20301480). This variant is not present in population databases (gnomAD no frequency). Disruption of this splice site has been observed in individual(s) with limb-girdle muscular dystrophy (PMID: 33610434). Algorithms developed to predict the effect of sequence changes on RNA splicing suggest that this variant may disrupt the consensus splice site. In summary, the currently available evidence indicates that the variant is pathogenic, but additional data are needed to prove that conclusively. Therefore, this variant has been classified as Likely Pathogenic.

Literature cited by the submitters: PubMed 16199547; PubMed 17698709; PubMed 20301480; PubMed 33610434.